The following is an entry in ClinVar:

ClinVar aggregate classification (germline): Uncertain significance (1 of 4 stars; one submission).

Conditions:
Developmental and epileptic encephalopathy, 67. Also called: EPILEPTIC ENCEPHALOPATHY, EARLY INFANTILE, 67. Identifiers: MedGen C4748341, MONDO:0029138, OMIM 618141.

Allele frequency attached by ClinVar (database versions not stated): gnomAD exomes below 0.00001.
gnomAD v4.1: 5 of 1,606,968 alleles (0.00031%); highest among the groups gnomAD compares: South Asian, 0.0044%; no homozygotes.

Submission:

Foundation for Research in Genetics and Endocrinology, FRIGE's Institute of Human Genetics
Classification: Uncertain significance for Developmental and epileptic encephalopathy, 67. Last evaluated: 2023-07-14. Review status: criteria provided, single submitter. Criteria: ACMG Guidelines, 2015. Collection method: clinical testing. Allele origin: germline. Inheritance: Autosomal dominant inheritance. Affected: yes. Observed: 1 heterozygote.
Comment: A heterozygous missense substitution (p.Pro985Thr) lies in exon 19 of the CUX2 gene and alters a conserved residue in the protein. This variant has not been reported in 1000 genomes database and has a MAF of 0.0004% in the gnomAD database. The variant is predicted to be damaging by LRT, Mutation Taster and SIFT. In summary, the variant meets our criteria to be classified as a variant of uncertain significance.

NM_015267.4(CUX2):c.2953C>A (p.Pro985Thr)

Gene: CUX2 (cut like homeobox 2; plus strand). Cytogenetic location: 12q24.12.
Variant type: single nucleotide variant.
Coding change: c.2953C>A on transcript NM_015267.4 (MANE Select); coding-DNA position 2953, C replaced by A.
Protein change: p.Pro985Thr; replaces proline 985 with threonine.
Molecular consequence: missense variant.
Genome position (GRCh38, 1-based): chr12:111,334,467, C>A. VCF-style: chr12-111334467-C-A. GRCh37 (hg19) VCF-style: chr12-111772271-C-A.
Other names: p.Pro985Thr; c.2767C>A, p.Pro923Thr (NM_001370598.1); short protein forms P923T, P985T.
Identifiers: ClinVar variation 2572175 (VCV002572175.2), dbSNP rs1485751875, ClinGen allele CA386716307.